The following is an entry in ClinVar:

ClinVar aggregate classification (germline): Uncertain significance (1 of 4 stars; one submission).

Conditions:
Loeys-Dietz syndrome 2 (LDS2). Also called: TGFBR2-Related Loeys-Dietz Syndrome; Marfan syndrome, type 2 (formerly); Marfan Syndrome type 2; Marfan like connective tissue disorder; MFS 2; AORTIC ANEURYSM, FAMILIAL THORACIC 3. Identifiers: Orphanet 284973, Orphanet 558, MedGen C2674574, MONDO:0012427, OMIM 610168.

Submission:

Labcorp Genetics (formerly Invitae), Labcorp
Classification: Uncertain significance for Loeys-Dietz syndrome 2. Last evaluated: 2019-12-03. Review status: criteria provided, single submitter. Criteria: Invitae Variant Classification Sherloc (09022015). Collection method: clinical testing. Allele origin: germline.
Comment: Algorithms developed to predict the effect of missense changes on protein structure and function (SIFT, PolyPhen-2, Align-GVGD) all suggest that this variant is likely to be tolerated, but these predictions have not been confirmed by published functional studies and their clinical significance is uncertain. This variant has not been reported in the literature in individuals with TMPO-related conditions. This variant is not present in population databases (ExAC no frequency). This sequence change replaces glycine with glutamic acid at codon 210 of the TMPO protein (p.Gly210Glu). The glycine residue is weakly conserved and there is a moderate physicochemical difference between glycine and glutamic acid. In summary, the available evidence is currently insufficient to determine the role of this variant in disease. Therefore, it has been classified as a Variant of Uncertain Significance.

NM_001032283.3(TMPO):c.565+1048G>A

Gene: TMPO (thymopoietin; plus strand). Cytogenetic location: 12q23.1.
Variant type: single nucleotide variant.
Coding change: c.565+1048G>A on transcript NM_001032283.3 (MANE Select); 1048 bases into the intron after coding-DNA position 565, G replaced by A.
Molecular consequence: intron variant. On other transcripts: missense variant (1).
Genome position (GRCh38, 1-based): chr12:98,532,886, G>A. VCF-style: chr12-98532886-G-A. GRCh37 (hg19) VCF-style: chr12-98926664-G-A.
Other names: c.629G>A, p.Gly210Glu (NM_003276.2); c.565+1048G>A (NM_001307975.2, NM_001032284.3); short protein forms G210E.
Identifiers: ClinVar variation 863933 (VCV000863933.10), dbSNP rs1877293542, ClinGen allele CA386151483.
Genomic context (GRCh38, chr12:98,532,886, plus strand): 5'-AGAAGAAAGAACACAAGAAAGTGAAGTCCACTAGGGATATTGTTCCTTTTTCTGAACTTG[G>A]AACTACTCCCTCTGGTGGTGGATTTTTTCAGGGTATTTCTTTTCCTGAAATCTCCACCCG-3'